The following is an entry in ClinVar:

ClinVar aggregate classification (germline): Uncertain significance (1 of 4 stars; one submission).

Allele frequency attached by ClinVar (database versions not stated): gnomAD exomes below 0.00001.
gnomAD v4.1: 1 of 1,613,856 alleles (0.000062%); highest among the groups gnomAD compares: Admixed American, 0.0017%; no homozygotes.

Submission:

Labcorp Genetics (formerly Invitae), Labcorp
Classification: Uncertain significance. Last evaluated: 2022-08-19. Review status: criteria provided, single submitter. Criteria: Invitae Variant Classification Sherloc (09022015). Collection method: clinical testing. Allele origin: germline.
Comment: This sequence change replaces leucine, which is neutral and non-polar, with valine, which is neutral and non-polar, at codon 689 of the WHRN protein (p.Leu689Val). This variant is present in population databases (no rsID available, gnomAD 0.003%). This variant has not been reported in the literature in individuals affected with WHRN-related conditions. Algorithms developed to predict the effect of missense changes on protein structure and function are either unavailable or do not agree on the potential impact of this missense change (SIFT: "Deleterious"; PolyPhen-2: "Benign"; Align-GVGD: "Class C0"). In summary, the available evidence is currently insufficient to determine the role of this variant in disease. Therefore, it has been classified as a Variant of Uncertain Significance.

NM_015404.4(WHRN):c.2065C>G (p.Leu689Val)

Gene: WHRN (whirlin; minus strand). Cytogenetic location: 9q32.
Variant type: single nucleotide variant.
Coding change: c.2065C>G on transcript NM_015404.4 (MANE Select); coding-DNA position 2065, C replaced by G.
Protein change: p.Leu689Val; replaces leucine 689 with valine.
Molecular consequence: missense variant.
Genome position (GRCh38, 1-based): chr9:114,406,526, G>C on the plus strand (C>G on the coding strand, the complement: WHRN is on the minus strand). VCF-style: chr9-114406526-G-C. GRCh37 (hg19) VCF-style: chr9-117168806-G-C.
Other names: c.916C>G, p.Leu306Val (NM_001083885.3); c.2065C>G, p.Leu689Val (NM_001173425.2); c.1012C>G, p.Leu338Val (NM_001346890.1); short protein forms L306V, L338V, L689V.
Identifiers: ClinVar variation 1716819 (VCV001716819.3), dbSNP rs1489343925, ClinGen allele CA374620374.